The following is an entry in ClinVar:

NM_014235.5(UBL4A):c.99G>C (p.Lys33Asn)

Gene: UBL4A (ubiquitin like 4A; minus strand). Cytogenetic location: Xq28.
Variant type: single nucleotide variant.
Coding change: c.99G>C on transcript NM_014235.5 (MANE Select); coding-DNA position 99, G replaced by C.
Protein change: p.Lys33Asn; replaces lysine 33 with asparagine.
Molecular consequence: missense variant.
Genome position (GRCh38, 1-based): chrX:154,486,283, C>G on the plus strand (G>C on the coding strand, the complement: UBL4A is on the minus strand). VCF-style: chrX-154486283-C-G. GRCh37 (hg19) VCF-style: chrX-153714622-C-G.
Other names: short protein forms K33N.
Identifiers: ClinVar variation 5031566 (VCV005031566.1).

ClinVar aggregate classification (germline): Uncertain significance (1 of 4 stars; one submission).

Submission:

Ambry Genetics
Classification: Uncertain significance. Last evaluated: 2026-07-03. Review status: criteria provided, single submitter. Criteria: Ambry Variant Classification Scheme 2023. Collection method: clinical testing. Allele origin: germline.
Comment: The c.99G>C (p.K33N) alteration is located in exon 2 (coding exon 2) of the UBL4A gene. This alteration results from a G to C substitution at nucleotide position 99, causing the lysine (K) at amino acid position 33 to be replaced by an asparagine (N). Based on data from gnomAD, the C allele has an overall frequency of <0.001% (0/98359) total alleles studied. The highest observed frequency was <0.001% (/) of alleles. Based on insufficient or conflicting evidence, the clinical significance of this alteration remains unclear.